The following is an entry in ClinVar:

NM_000264.5(PTCH1):c.1162A>C (p.Asn388His)

Gene: PTCH1 (patched 1; minus strand). Cytogenetic location: 9q22.32.
Variant type: single nucleotide variant.
Coding change: c.1162A>C on transcript NM_000264.5 (MANE Select); coding-DNA position 1162, A replaced by C.
Protein change: p.Asn388His; replaces asparagine 388 with histidine.
Molecular consequence: missense variant. On other transcripts: non-coding transcript variant (1).
Genome position (GRCh38, 1-based): chr9:95,479,053, T>G on the plus strand (A>C on the coding strand, the complement: PTCH1 is on the minus strand). VCF-style: chr9-95479053-T-G. GRCh37 (hg19) VCF-style: chr9-98241335-T-G.
Other names: c.964A>C, p.Asn322His (NM_001083602.3); c.1159A>C, p.Asn387His (NM_001083603.3); c.709A>C, p.Asn237His (NM_001083604.3, NM_001083605.3, NM_001083606.3 and 1 more transcripts); c.1162A>C, p.Asn388His (NM_001354918.2); short protein forms N322H, N237H, N388H, N387H.
Identifiers: ClinVar variation 1737077 (VCV001737077.2), dbSNP rs2538216973, ClinGen allele CA374119323.
Genomic context (GRCh38, chr9:95,479,053, plus strand): 5'-GGTTTACCTCCACATATGTCCTCTGCCAGGCCTCCAGGATGGCTGCCGCTTTGTCCTCGT[T>G]CCAGTTGATGTGTGAGACATACTCGTACCCCTTGAAGTGCTCGTACATTTGCTTGGGAGT-3'
Protein context (NP_000255.2, residues 378-398): GYEYVSHINW[Asn388His]EDKAAAILEA

ClinVar aggregate classification (germline): Uncertain significance (1 of 4 stars; one submission).

Conditions:
Hereditary cancer-predisposing syndrome. Also called: Neoplastic Syndromes, Hereditary; Tumor predisposition; Hereditary Cancer Syndrome; Hereditary neoplastic syndrome. Identifiers: Orphanet 140162, MedGen C0027672, MeSH D009386, MONDO:0015356.

Submission:

Ambry Genetics
Classification: Uncertain significance for Hereditary cancer-predisposing syndrome. Last evaluated: 2020-01-14. Review status: criteria provided, single submitter. Criteria: Ambry Variant Classification Scheme 2023. Collection method: clinical testing. Allele origin: germline.
Comment: The p.N388H variant (also known as c.1162A>C), located in coding exon 8 of the PTCH1 gene, results from an A to C substitution at nucleotide position 1162. The asparagine at codon 388 is replaced by histidine, an amino acid with similar properties. This amino acid position is well conserved in available vertebrate species. In addition, the in silico prediction for this alteration is inconclusive. Since supporting evidence is limited at this time, the clinical significance of this alteration remains unclear.

Literature cited by the submitters: PubMed 11531849.